The following is an entry in ClinVar:

NM_001375905.1(SGMS2):c.637T>C (p.Ser213Pro)

Genes: CYP2U1-AS1 (CYP2U1 and SGMS2 antisense RNA 1; minus strand), SGMS2 (sphingomyelin synthase 2; plus strand). Cytogenetic location: 4q25.
Variant type: single nucleotide variant.
Coding change: c.637T>C on transcript NM_001375905.1 (MANE Select); coding-DNA position 637, T replaced by C.
Protein change: p.Ser213Pro; replaces serine 213 with proline.
Molecular consequence: missense variant.
Genome position (GRCh38, 1-based): chr4:107,903,296, T>C. VCF-style: chr4-107903296-T-C. GRCh37 (hg19) VCF-style: chr4-108824452-T-C.
Other names: c.637T>C, p.Ser213Pro (NM_001136257.2, NM_001136258.2, NM_001375906.1 and 4 more transcripts); c.118T>C, p.Ser40Pro (NM_001375911.1); short protein forms S213P, S40P.
Identifiers: ClinVar variation 2879002 (VCV002879002.3), dbSNP rs1207266132, ClinGen allele CA357826674.
Genomic context (GRCh38, chr4:107,903,296, plus strand): 5'-AATGGAGACTCTCAGGCAAAAGTTCAACGGATTCTACGATTGATTTCTGGTGGTGGATTG[T>C]CCATAACTGGATCACATATCTTATGTGGAGACTTCCTCTTCAGCGGTCACACGGTTACGC-3'
Protein context (NP_001362834.1, residues 203-223): ILRLISGGGL[Ser213Pro]ITGSHILCGD

ClinVar aggregate classification (germline): Uncertain significance (1 of 4 stars; one submission).

Allele frequency attached by ClinVar (database versions not stated): gnomAD exomes 0.00001; TOPMed 0.00001.
gnomAD v4.1: 8 of 1,614,028 alleles (0.0005%); highest among the groups gnomAD compares: Admixed American, 0.0033%; no homozygotes.

Submission:

Labcorp Genetics (formerly Invitae), Labcorp
Classification: Uncertain significance. Last evaluated: 2025-05-30. Review status: criteria provided, single submitter. Criteria: Invitae Variant Classification Sherloc (09022015). Collection method: clinical testing. Allele origin: germline.
Comment: This sequence change replaces serine, which is neutral and polar, with proline, which is neutral and non-polar, at codon 213 of the SGMS2 protein (p.Ser213Pro). This variant is present in population databases (no rsID available, gnomAD 0.006%). This variant has not been reported in the literature in individuals affected with SGMS2-related conditions. ClinVar contains an entry for this variant (Variation ID: 2879002). Invitae Evidence Modeling of protein sequence and biophysical properties (such as structural, functional, and spatial information, amino acid conservation, physicochemical variation, residue mobility, and thermodynamic stability) indicates that this missense variant is expected to disrupt SGMS2 protein function with a positive predictive value of 80%. In summary, the available evidence is currently insufficient to determine the role of this variant in disease. Therefore, it has been classified as a Variant of Uncertain Significance.